The following is an entry in ClinVar:

ClinVar aggregate classification (germline): conflicting data from submitters (0 of 4 stars; one submission).

Submission:

ISCA Site 6
Classification: conflicting data from submitters. Review status: no assertion criteria provided. Collection method: clinical testing. Allele origin: unknown. Affected: yes. Observed: 7 variant alleles. Clinical features observed: Developmental delay AND/OR other significant developmental or morphological phenotypes.
Comment: Uncertain significance(1), Likely benign (2), Benign (4)

Copy number variation identified through the course of routine clinical cytogenomic testing in postnatal populations, with clinical assertions as classified by the original submitter. For data from the original published study, Kaminsky, et al. 2011 (PubMed 21844811), please see nstd101.

GRCh37/hg19 19q13.43(chr19:57988849-58015974)x3

Genes: ZNF419 (zinc finger protein 419; plus strand), ZNF772 (zinc finger protein 772; minus strand), ZNF773 (zinc finger protein 773; plus strand). Cytogenetic location: 19q13.43.
Variant type: copy number gain.
Change: copy number 3 (three copies instead of two) of chr19:57,988,849-58,015,974 (27.1 kb, GRCh37 coordinates, 1-based), cytogenetic band 19q13.43.
Identifiers: ClinVar variation 394524 (VCV000394524.3).